The following is an entry in ClinVar:

NM_152703.5(SAMD9L):c.2600G>C (p.Arg867Thr)

Gene: SAMD9L (sterile alpha motif domain containing 9 like; minus strand). Cytogenetic location: 7q21.2.
Variant type: single nucleotide variant.
Coding change: c.2600G>C on transcript NM_152703.5 (MANE Select); coding-DNA position 2600, G replaced by C.
Protein change: p.Arg867Thr; replaces arginine 867 with threonine.
Molecular consequence: missense variant.
Genome position (GRCh38, 1-based): chr7:93,133,372, C>G on the plus strand (G>C on the coding strand, the complement: SAMD9L is on the minus strand). VCF-style: chr7-93133372-C-G. GRCh37 (hg19) VCF-style: chr7-92762685-C-G.
Other names: c.2600G>C, p.Arg867Thr (NM_001303496.3, NM_001303497.3, NM_001303498.3 and 5 more transcripts); short protein forms R867T.
Identifiers: ClinVar variation 3949765 (VCV003949765.1).
Genomic context (GRCh38, chr7:93,133,372, plus strand): 5'-TAAAAGTTTTCACAGTTCTTGTGCTGCTTTTCAATTTCCTTCAGTTTGGCACCAAAAGCT[C>G]TTTGTTCCTTGGAAGAAAGTTGGTAATTTAGTGCAATACTGTCTGCCAATTTTGCACTTT-3'
Protein context (NP_689916.2, residues 857-877): LNYQLSSKEQ[Arg867Thr]AFGAKLKEIE

ClinVar aggregate classification (germline): Uncertain significance (1 of 4 stars; one submission).

Conditions:
Inborn genetic diseases. Identifiers: MedGen C0950123, MeSH D030342.

Submission:

Ambry Genetics
Classification: Uncertain significance for Inborn genetic diseases. Last evaluated: 2025-03-20. Review status: criteria provided, single submitter. Criteria: Ambry Variant Classification Scheme 2023. Collection method: clinical testing. Allele origin: germline.
Comment: The p.R867T variant (also known as c.2600G>C), located in coding exon 1 of the SAMD9L gene, results from a G to C substitution at nucleotide position 2600. The arginine at codon 867 is replaced by threonine, an amino acid with similar properties. This amino acid position is conserved. In addition, this alteration is predicted to be tolerated by in silico analysis. Based on the available evidence, the clinical significance of this variant remains unclear.